The following is an entry in ClinVar:

ClinVar aggregate classification (germline): Uncertain significance (1 of 4 stars; one submission).

gnomAD v4.1: 19 of 1,612,818 alleles (0.0012%); highest among the groups gnomAD compares: Non-Finnish European, 0.0014%; no homozygotes.

Submission:

GeneDx
Classification: Uncertain significance. Last evaluated: 2024-10-28. Review status: criteria provided, single submitter. Criteria: GeneDx Variant Classification Process June 2021. Collection method: clinical testing. Allele origin: germline. Affected: yes.
Comment: Not observed at significant frequency in large population cohorts (gnomAD); In silico analysis indicates that this missense variant does not alter protein structure/function; Has not been previously published as pathogenic or benign to our knowledge

NM_001365276.2(TNXB):c.6739G>T (p.Val2247Phe)

Gene: TNXB (tenascin XB; minus strand). Cytogenetic location: 6p21.33.
Variant type: single nucleotide variant.
Coding change: c.6739G>T on transcript NM_001365276.2 (MANE Select); coding-DNA position 6739, G replaced by T.
Protein change: p.Val2247Phe; replaces valine 2247 with phenylalanine.
Molecular consequence: missense variant.
Genome position (GRCh38, 1-based): chr6:32,064,923, C>A on the plus strand (G>T on the coding strand, the complement: TNXB is on the minus strand). VCF-style: chr6-32064923-C-A. GRCh37 (hg19) VCF-style: chr6-32032700-C-A.
Other names: c.7480G>T, p.Val2494Phe (NM_001428335.1); c.6739G>T, p.Val2247Phe (NM_019105.8); short protein forms V2247F, V2494F.
Identifiers: ClinVar variation 3893362 (VCV003893362.1).
Genomic context (GRCh38, chr6:32,064,923, plus strand): 5'-CGTGGAAGCCGTACAGGTTCATCTTGTACTTGTGGTCTGGCTCCAGGCCCGAGATGGTGA[C>A]CCCATCCTCGTGTCCCGGCACCCGCACCGCCTTGGGCTGCCCGTCCCCATTCTTAAACTG-3'
Protein context (NP_001352205.1, residues 2237-2257): AVRVPGHEDG[Val2247Phe]TISGLEPDHK